The following is an entry in ClinVar:

NM_001232.4(CASQ2):c.607-10A>G

Gene: CASQ2 (calsequestrin 2; minus strand). Cytogenetic location: 1p13.1.
Variant type: single nucleotide variant.
Coding change: c.607-10A>G on transcript NM_001232.4 (MANE Select); 10 bases into the intron before coding-DNA position 607, A replaced by G.
Molecular consequence: intron variant.
Genome position (GRCh38, 1-based): chr1:115,727,132, T>C on the plus strand (A>G on the coding strand, the complement: CASQ2 is on the minus strand). VCF-style: chr1-115727132-T-C. GRCh37 (hg19) VCF-style: chr1-116269753-T-C.
Identifiers: ClinVar variation 1309784 (VCV001309784.2), dbSNP rs949456037, ClinGen allele CA29636041.

ClinVar aggregate classification (germline): Uncertain significance (1 of 4 stars; one submission).

Allele frequency attached by ClinVar (database versions not stated): gnomAD exomes below 0.00001; TOPMed below 0.00001.
gnomAD v4.1: 1 of 1,605,120 alleles (0.000062%); highest among the groups gnomAD compares: Non-Finnish European, 0.000085%; no homozygotes.

Submission:

GeneDx
Classification: Uncertain significance. Last evaluated: 2019-08-26. Review status: criteria provided, single submitter. Criteria: GeneDx Variant Classification Process June 2021. Collection method: clinical testing. Allele origin: germline. Affected: yes.
Comment: Has not been previously published as pathogenic or benign to our knowledge; Not observed in large population cohorts (Lek et al., 2016); In silico analysis, which includes splice predictors and evolutionary conservation, suggests this variant may impact gene splicing; however, in the absence of RNA/functional studies, the actual effect of this sequence change is unknown